The following is an entry in ClinVar:

NM_020975.6(RET):c.701G>A (p.Arg234Gln)

Gene: RET (ret proto-oncogene; plus strand). Cytogenetic location: 10q11.21.
Variant type: single nucleotide variant.
Coding change: c.701G>A on transcript NM_020975.6 (MANE Select); coding-DNA position 701, G replaced by A.
Protein change: p.Arg234Gln; replaces arginine 234 with glutamine.
Molecular consequence: missense variant.
Genome position (GRCh38, 1-based): chr10:43,105,027, G>A. VCF-style: chr10-43105027-G-A. GRCh37 (hg19) VCF-style: chr10-43600475-G-A.
Other names: c.701G>A, p.Arg234Gln (NM_000323.2, NM_001406743.1, NM_001406744.1 and 8 more transcripts); c.-62G>A (NM_001355216.2); c.572G>A, p.Arg191Gln (NM_001406761.1, NM_001406762.1, NM_001406764.1 and 2 more transcripts); c.413G>A, p.Arg138Gln (NM_001406766.1, NM_001406767.1, NM_001406770.1); short protein forms R234Q, R138Q, R191Q.
Identifiers: ClinVar variation 662310 (VCV000662310.21), dbSNP rs756216318, ClinGen allele CA376544612.

ClinVar aggregate classification (germline): Conflicting classifications of pathogenicity. Review status: criteria provided, conflicting classifications (1 of 4 stars). 8 submissions from 8 submitters: Uncertain significance (7); Likely benign (1). Last evaluated 2025-12-29.

Conditions:
Hereditary cancer-predisposing syndrome. Also called: Neoplastic Syndromes, Hereditary; Hereditary Cancer Syndrome; Tumor predisposition; Hereditary neoplastic syndrome. Identifiers: Orphanet 140162, MedGen C0027672, MeSH D009386, MONDO:0015356.
Hirschsprung disease, susceptibility to, 1 (HSCR1). Also called: RET-Related Hirschsprung Disease. Identifiers: Orphanet 388, MedGen C3888239, MONDO:0007723, OMIM 142623.
Multiple endocrine neoplasia type 2B. Also called: MEN 2B; MUCOSAL NEUROMA SYNDROME; Multiple endocrine neoplasia, type 3; MULTIPLE ENDOCRINE NEOPLASIA, TYPE IIB; Multiple Endocrine Neoplasia Type 2B (MEN2B); MEN IIB. Identifiers: Orphanet 247709, Orphanet 653, MedGen C0025269, MeSH D018814, MONDO:0008082, OMIM 162300.
Pheochromocytoma. Also called: MAX-Related Hereditary Paraganglioma-Pheochromocytoma Syndrome. Identifiers: Orphanet 29072, MedGen C0031511, MONDO:0008233, OMIM 171300, HP:0002666.
Familial medullary thyroid carcinoma (MTC). Also called: Thyroid cancer, familial medullary; MTC, familial; Familial Medullary Thyroid Carcinoma (FMTC). Identifiers: Orphanet 653, Orphanet 99361, MedGen C1833921, MONDO:0007958, OMIM 155240.
Multiple endocrine neoplasia type 2A. Also called: MULTIPLE ENDOCRINE NEOPLASIA, TYPE IIA; PTC SYNDROME; SIPPLE SYNDROME; MEN 2A; MEN-2A syndrome; Pheochromocytoma and amyloid producing medullary thyroid carcinoma. Identifiers: Orphanet 247698, Orphanet 653, MedGen C0025268, MeSH D018813, MONDO:0008234, OMIM 171400.
Multiple endocrine neoplasia, type 2 (MEN2). Identifiers: Orphanet 653, MedGen C4048306, MONDO:0019003. Disease mechanism: gain of function.

Allele frequency attached by ClinVar (database versions not stated): gnomAD 0.00001; TOPMed 0.00002.
gnomAD v4.1: 9 of 1,603,330 alleles (0.00056%); highest among the groups gnomAD compares: Admixed American, 0.015%; no homozygotes.

Submissions (8):

Labcorp Genetics (formerly Invitae), Labcorp
Classification: Uncertain significance for Multiple endocrine neoplasia, type 2. Last evaluated: 2025-12-29. Review status: criteria provided, single submitter. Criteria: Invitae Variant Classification Sherloc (09022015). Collection method: clinical testing. Allele origin: germline.
Comment: This sequence change replaces arginine, which is basic and polar, with glutamine, which is neutral and polar, at codon 234 of the RET protein (p.Arg234Gln). This variant is not present in population databases (gnomAD no frequency). This variant has not been reported in the literature in individuals affected with RET-related conditions. ClinVar contains an entry for this variant (Variation ID: 662310). An algorithm developed to predict the effect of missense changes on protein structure and function outputs the following: PolyPhen-2: "Benign". The glutamine amino acid residue is found in multiple mammalian species, which suggests that this missense change does not adversely affect protein function. In summary, the available evidence is currently insufficient to determine the role of this variant in disease. Therefore, it has been classified as a Variant of Uncertain Significance.

Color Diagnostics, LLC DBA Color Health
Classification: Uncertain significance for Multiple endocrine neoplasia, type 2. Last evaluated: 2025-11-10. Review status: criteria provided, single submitter. Criteria: ACMG Guidelines, 2015. Collection method: clinical testing. Allele origin: germline.
Comment: This missense variant replaces arginine with glutamine at codon 234 of the RET protein. Computational prediction suggests that this variant may not impact protein structure and function. To our knowledge, functional studies have not been reported for this variant. This variant has not been reported in individuals affected with RET-related disorders in the literature. This variant has been identified in 1/233328 chromosomes in the general population by the Genome Aggregation Database (gnomAD). The available evidence is insufficient to determine the role of this variant in disease conclusively. Therefore, this variant is classified as a Variant of Uncertain Significance.

All of Us Research Program, National Institutes of Health
Classification: Uncertain significance for Multiple endocrine neoplasia, type 2. Last evaluated: 2024-01-11. Review status: criteria provided, single submitter. Criteria: ACMG Guidelines, 2015. Collection method: clinical testing. Allele origin: germline. Inheritance: Autosomal dominant inheritance. Observed: 3 variant alleles, 3 heterozygotes.
Comment: This missense variant replaces arginine with glutamine at codon 234 of the RET protein. Computational prediction suggests that this variant may not impact protein structure and function (internally defined REVEL score threshold <= 0.5, PMID: 27666373). To our knowledge, functional studies have not been reported for this variant. This variant has not been reported in individuals affected with RET-related disorders in the literature. This variant has been identified in 1/233328 chromosomes in the general population by the Genome Aggregation Database (gnomAD). The available evidence is insufficient to determine the role of this variant in disease conclusively. Therefore, this variant is classified as a Variant of Uncertain Significance.

This study involves interpretation of variants in research participants for the purpose of population health screening. Participant phenotype was not available at the time of variant classification. Additional details can be found in publication PMID: 35346344, PMCID: PMC8962531

Fulgent Genetics
Classification: Uncertain significance for Hirschsprung disease, susceptibility to, 1; Familial medullary thyroid carcinoma; Multiple endocrine neoplasia type 2B; Pheochromocytoma; Multiple endocrine neoplasia type 2A. Last evaluated: 2022-03-31. Review status: criteria provided, single submitter. Criteria: ACMG Guidelines, 2015. Collection method: clinical testing. Allele origin: unknown.

Baylor Genetics
Classification: Uncertain significance for Familial medullary thyroid carcinoma. Last evaluated: 2021-09-28. Review status: criteria provided, single submitter. Criteria: ACMG Guidelines, 2015. Collection method: clinical testing. Allele origin: paternal. Affected: yes. Study: CSER-TexasKidsCanSeq.
Comment: This variant was determined to be of uncertain significance according to ACMG Guidelines, 2015 [PMID:25741868].

Ambry Genetics
Classification: Likely benign for Hereditary cancer-predisposing syndrome. Last evaluated: 2021-06-14. Review status: criteria provided, single submitter. Criteria: Ambry Variant Classification Scheme 2023. Collection method: clinical testing. Allele origin: germline.

Revvity Omics, Revvity
Classification: Uncertain significance. Last evaluated: 2019-09-05. Review status: criteria provided, single submitter. Criteria: ACMG Guidelines, 2015. Collection method: clinical testing. Allele origin: germline.

Breakthrough Genomics
Classification: Uncertain significance. Review status: criteria provided, single submitter. Criteria: ACMG Guidelines, 2015. Collection method: not provided. Allele origin: germline. Inheritance: Autosomal dominant inheritance. Affected: yes.